The following is an entry in ClinVar:

NM_004990.4(MARS1):c.1392dup (p.Leu465fs)

Gene: MARS1 (methionyl-tRNA synthetase 1; plus strand). Cytogenetic location: 12q13.3.
Variant type: Duplication.
Coding change: c.1392dup on transcript NM_004990.4 (MANE Select); coding-DNA position 1392, one base duplicated (G; older notation c.1392dupG).
Protein change: p.Leu465fs; shifts the reading frame from leucine 465.
Molecular consequence: frameshift variant.
Genome position (GRCh38, 1-based): chr12:57,511,721, G duplicated; the last of 2 consecutive G bases (chr12:57,511,720-57,511,721); duplicating either gives the same sequence. VCF-style (leftmost placement, unchanged base first): chr12-57511719-T-TG. GRCh37 (hg19) VCF-style: chr12-57905502-T-TG.
Other names: short protein forms L465fs.
Identifiers: ClinVar variation 1697222 (VCV001697222.2), dbSNP rs2140033743, ClinGen allele CA2580086528.

ClinVar aggregate classification (germline): Uncertain significance (1 of 4 stars; one submission).

Conditions:
Charcot-Marie-Tooth disease axonal type 2U. Also called: CHARCOT-MARIE-TOOTH NEUROPATHY, TYPE 2U; CHARCOT-MARIE-TOOTH DISEASE, AXONAL, AUTOSOMAL DOMINANT, TYPE 2U. Identifiers: Orphanet 397735, MedGen C4084821, MONDO:0014566, OMIM 616280.

Submission:

Center for Human Genetics and Genomic Medicine, Uniklinik Rwth Aachen
Classification: Uncertain significance for Charcot-Marie-Tooth disease axonal type 2U. Last evaluated: 2022-05-06. Review status: criteria provided, single submitter. Criteria: ACMG Guidelines, 2015. Collection method: clinical testing. Allele origin: unknown. Affected: yes.
Comment: The alteration is absent from control databases (gnomAD v2.1.1) and has not yet been reported in patients with CMT. So far, primarily missense variants in MARS1 have been described in CMT2U. However, functional analyses suggest that the underlying mechanism of the pathogenicity is a loss of function (Gonzalez 2013). Therefore, this variant was classified as "variant of uncertain significance".

Literature cited by the submitters: PubMed 23729695.